The following is an entry in ClinVar:

NM_003073.5(SMARCB1):c.897G>A (p.Ser299=)

Gene: SMARCB1 (SWI/SNF related BAF chromatin remodeling complex subunit B1; plus strand). Cytogenetic location: 22q11.23.
Variant type: single nucleotide variant.
Coding change: c.897G>A on transcript NM_003073.5 (MANE Select); coding-DNA position 897, G replaced by A.
Protein change: p.Ser299=; no amino-acid change (serine 299 retained).
Molecular consequence: synonymous variant.
Genome position (GRCh38, 1-based): chr22:23,825,326, G>A. VCF-style: chr22-23825326-G-A. GRCh37 (hg19) VCF-style: chr22-24167513-G-A.
Other names: p.Ser299=; c.870G>A, p.Ser290= (NM_001007468.3); c.924G>A, p.Ser308= (NM_001317946.2); c.951G>A, p.Ser317= (NM_001362877.2); c.897G>A (NM_003073.4, LRG_520t1).
Identifiers: ClinVar variation 126368 (VCV000126368.30), dbSNP rs2229354, ClinGen allele CA151127.

ClinVar aggregate classification (germline): Benign. Review status: criteria provided, multiple submitters, no conflicts (2 of 4 stars). 15 submissions from 13 submitters: Benign (13). 2 of the submissions do not count toward it. Last evaluated 2026-02-04.

Conditions:
Rhabdoid tumor predisposition syndrome 1 (RTPS1). Also called: Familial Posterior Fossa Brain Tumor of Infancy. Identifiers: Orphanet 231108, Orphanet 69077, MedGen C1836327, MONDO:0012252, OMIM 609322.
SMARCB1-related schwannomatosis. Also called: Schwannomatosis 1; SWNTS1. Identifiers: Orphanet 93921, MedGen C4048809, MONDO:0024517, OMIM 162091. Disease mechanism: loss of function.
Hereditary cancer-predisposing syndrome. Also called: Tumor predisposition; Hereditary neoplastic syndrome; Neoplastic Syndromes, Hereditary; Hereditary Cancer Syndrome. Identifiers: Orphanet 140162, MedGen C0027672, MeSH D009386, MONDO:0015356.

Allele frequency attached by ClinVar (database versions not stated): TOPMed 0.09973; 1000 Genomes Project 30x 0.10212; 1000 Genomes Project 0.10523; ESP Exome Variant Server 0.10649; gnomAD 0.10948.
gnomAD v4.1: 182,809 of 1,614,008 alleles (11%); highest among the groups gnomAD compares: South Asian, 18%; 10,981 homozygotes.

Submissions (15):

Labcorp Genetics (formerly Invitae), Labcorp
Classification: Benign. Last evaluated: 2026-02-04. Review status: criteria provided, single submitter. Criteria: Invitae Variant Classification Sherloc (09022015). Collection method: clinical testing. Allele origin: germline.

KCCC/NGS Laboratory, Kuwait Cancer Control Center
Classification: Benign for SMARCB1-related schwannomatosis. Last evaluated: 2025-02-01. Review status: criteria provided, single submitter. Criteria: ACMG Guidelines, 2015. Collection method: clinical testing. Allele origin: germline. Affected: no.

Blueprint Genetics
Classification: Benign. Last evaluated: 2024-11-28. Review status: criteria provided, single submitter. Criteria: ACMG Guidelines, 2015. Collection method: clinical testing. Allele origin: germline.

KCCC/NGS Laboratory, Kuwait Cancer Control Center
Classification: Benign for Rhabdoid tumor predisposition syndrome 1. Last evaluated: 2023-07-07. Review status: criteria provided, single submitter. Criteria: ACMG Guidelines, 2015. Collection method: clinical testing. Allele origin: germline. Affected: yes.

Mayo Clinic Laboratories, Mayo Clinic
Classification: Benign. Last evaluated: 2022-03-10. Review status: criteria provided, single submitter. Criteria: ACMG Guidelines, 2015. Collection method: clinical testing. Allele origin: germline. Observed: 66 variant alleles.

Illumina Laboratory Services, Illumina
Classification: Benign for SMARCB1-related schwannomatosis. Last evaluated: 2018-01-12. Review status: criteria provided, single submitter. Criteria: ICSL Variant Classification Criteria 13 December 2019. Collection method: clinical testing. Allele origin: germline.
Comment: This variant was observed in the ICSL laboratory as part of a predisposition screen in an ostensibly healthy population. It had not been previously curated by ICSL or reported in the Human Gene Mutation Database (HGMD: prior to June 1st, 2018), and was therefore a candidate for classification through an automated scoring system. Utilizing variant allele frequency, disease prevalence and penetrance estimates, and inheritance mode, an automated score was calculated to assess if this variant is too frequent to cause the disease. Based on the score and internal cut-off values, a variant classified as benign is not then subjected to further curation. The score for this variant resulted in a classification of benign for this disease.

Illumina Laboratory Services, Illumina
Classification: Benign for Rhabdoid tumor predisposition syndrome 1. Last evaluated: 2018-01-12. Review status: criteria provided, single submitter. Criteria: ICSL Variant Classification Criteria 13 December 2019. Collection method: clinical testing. Allele origin: germline.
Comment: the same text as in the submission from Illumina Laboratory Services, Illumina above.

Women's Health and Genetics/Laboratory Corporation of America, LabCorp
Classification: Benign. Last evaluated: 2016-05-25. Review status: criteria provided, single submitter. Criteria: LabCorp Variant Classification Summary - May 2015. Collection method: clinical testing. Allele origin: germline.
Comment: Variant summary: The SMARCB1 c.897G>A (p.Ser299Ser) variant involves the alteration of a non-conserved nucleotide, resulting in a synonymous change. One in silico tool predicts a polymorphism outcome for this variant along with 3/5 splice tools predicting the variant not to have an impact on normal splicing. This variant was found in 13842/121354 control chromosomes (893 homozygotes), predominantly observed in the South Asian (284 homozygotes) subpopulation at a frequency of 0.1737945 (2869/16508). This frequency greatly exceeds the estimated maximal expected allele frequency of a pathogenic SMARCB1 variant (0.0000001), suggesting this is a benign polymorphism found primarily in the populations of South Asian origin. One clinical diagnostic laboratory classified this variant as Benign. Taken together, this variant is classified as Benign.

GeneDx
Classification: Benign. Last evaluated: 2016-04-29. Review status: criteria provided, single submitter. Criteria: GeneDx Variant Classification (06012015). Collection method: clinical testing. Allele origin: germline. Affected: yes.
Comment: This variant is considered likely benign or benign based on one or more of the following criteria: it is a conservative change, it occurs at a poorly conserved position in the protein, it is predicted to be benign by multiple in silico algorithms, and/or has population frequency not consistent with disease.

Ambry Genetics
Classification: Benign for Hereditary cancer-predisposing syndrome. Last evaluated: 2016-03-19. Review status: criteria provided, single submitter. Criteria: Ambry Variant Classification Scheme 2023. Collection method: clinical testing. Allele origin: germline.

Genetic Services Laboratory, University of Chicago
Classification: Benign for AllHighlyPenetrant. Last evaluated: 2013-08-15. Review status: criteria provided, single submitter. Criteria: ACMG Guidelines, 2007. Collection method: clinical testing. Allele origin: germline. Inheritance: Autosomal dominant inheritance. Observed: 23 variant alleles.

Breakthrough Genomics
Classification: Benign. Review status: criteria provided, single submitter. Criteria: ACMG Guidelines, 2015. Collection method: not provided. Allele origin: germline. Inheritance: Autosomal dominant inheritance. Affected: yes.

PreventionGenetics, part of Exact Sciences
Classification: Benign. Review status: criteria provided, single submitter. Criteria: ACMG Guidelines, 2015. Collection method: clinical testing. Allele origin: germline.

Clinical Genetics DNA and cytogenetics Diagnostics Lab, Erasmus MC, Erasmus Medical Center
Classification: Benign. Review status: no assertion criteria provided. Collection method: clinical testing. Allele origin: germline. Affected: yes. Study: VKGL Data-share Consensus. Not counted in ClinVar's aggregate classification.

Joint Genome Diagnostic Labs from Nijmegen and Maastricht, Radboudumc and MUMC+
Classification: Benign. Review status: no assertion criteria provided. Collection method: clinical testing. Allele origin: germline. Affected: yes. Study: VKGL Data-share Consensus. Not counted in ClinVar's aggregate classification.